The following is an entry in ClinVar:

NM_015599.3(PGM3):c.1243-15_1243-4del

Gene: PGM3 (phosphoglucomutase 3; minus strand). Cytogenetic location: 6q14.1.
Variant type: Deletion.
Coding change: c.1243-15_1243-4del on transcript NM_015599.3 (MANE Select); 15 bases into the intron before coding-DNA position 1243 through 4 bases into the intron before coding-DNA position 1243, 12 bases deleted (TTTCCCCATTTG).
Molecular consequence: intron variant.
Genome position (GRCh38, 1-based): chr6:83,172,063-83,172,074, CAAATGGGGAAA deleted on the plus strand (TTTCCCCATTTG on the coding strand, the reverse complement: PGM3 is on the minus strand); deleting any 12 consecutive bases within chr6:83,172,063-83,172,081 gives the same sequence; the c. name uses the placement nearest the transcript's 3' end. VCF-style (leftmost placement, unchanged base first): chr6-83172062-GCAAATGGGGAAA-G. GRCh37 (hg19) VCF-style: chr6-83881781-GCAAATGGGGAAA-G.
Other names: c.1327-15_1327-4del (NM_001199917.2, NM_001367287.1, NM_001199917.1); c.1000-15_1000-4del (NM_001199918.2); c.1243-1596_1243-1585del (NM_001367286.1); c.1243-15_1243-4del (NM_001199919.2); c.1327-15_1327-4del12 (NM_001199917.1).
Identifiers: ClinVar variation 728273 (VCV000728273.12), dbSNP rs773922847, ClinGen allele CA3906565.

ClinVar aggregate classification (germline): Likely benign. Review status: criteria provided, single submitter (1 of 4 stars). 2 submissions from 2 submitters: Likely benign (1). 1 of the submissions does not count toward it. Last evaluated 2026-01-28.

Conditions:
Immunodeficiency 23 (IMD23). Also called: IMMUNODEFICIENCY WITH HYPER IgE AND COGNITIVE IMPAIRMENT; IMMUNODEFICIENCY-VASCULITIS-MYOCLONUS SYNDROME. Identifiers: Orphanet 443811, MedGen C4014371, MONDO:0014353, OMIM 615816.
PGM3-related disorder. Also called: PGM3-related condition.

Submissions (2):

Labcorp Genetics (formerly Invitae), Labcorp
Classification: Likely benign for Immunodeficiency 23. Last evaluated: 2026-01-28. Review status: criteria provided, single submitter. Criteria: Invitae Variant Classification Sherloc (09022015). Collection method: clinical testing. Allele origin: germline.

PreventionGenetics, part of Exact Sciences
Classification: Likely benign for PGM3-related condition. Last evaluated: 2019-03-22. Review status: no assertion criteria provided. Collection method: clinical testing. Allele origin: germline. Not counted in ClinVar's aggregate classification.
Comment: This variant is classified as likely benign based on ACMG/AMP sequence variant interpretation guidelines (Richards et al. 2015 PMID: 25741868, with internal and published modifications).